The following is an entry in ClinVar:

ClinVar aggregate classification (germline): Pathogenic (1 of 4 stars; one submission).

Conditions:
Duchenne muscular dystrophy (DMD). Also called: MUSCULAR DYSTROPHY, PSEUDOHYPERTROPHIC PROGRESSIVE, DUCHENNE TYPE; Duchenne Muscular Dystrophy (DMD). Identifiers: Orphanet 98896, MedGen C0013264, MONDO:0010679, OMIM 310200.

Submission:

Labcorp Genetics (formerly Invitae), Labcorp
Classification: Pathogenic for Duchenne muscular dystrophy. Last evaluated: 2023-08-30. Review status: criteria provided, single submitter. Criteria: Invitae Variant Classification Sherloc (09022015). Collection method: clinical testing. Allele origin: unknown.
Comment: This variant is a gross deletion of the genomic region encompassing exon(s) 19-22 of the DMD gene. This variant would be expected to be in-frame, preserving the integrity of the reading frame. This variant has not been reported in the literature in individuals affected with DMD-related conditions. This variant disrupts a region of the DMD protein in which other variant(s) (p.Gln957Pro) have been determined to be pathogenic (Invitae). This suggests that this is a clinically significant region of the protein, and that variants that disrupt it are likely to be disease-causing. For these reasons, this variant has been classified as Pathogenic.

NC_000023.10:g.(?_32490261)_(32519979_?)del

Gene: DMD (dystrophin; minus strand). Cytogenetic location: Xp21.1.
Variant type: Deletion.
Identifiers: ClinVar variation 3245569 (VCV003245569.1).